The following is an entry in ClinVar:

NM_001145358.2(SIN3A):c.1800C>T (p.Ser600=)

Gene: SIN3A (SIN3 transcription regulator family member A; minus strand). Cytogenetic location: 15q24.2.
Variant type: single nucleotide variant.
Coding change: c.1800C>T on transcript NM_001145358.2 (MANE Select); coding-DNA position 1800, C replaced by T.
Protein change: p.Ser600=; no amino-acid change (serine 600 retained).
Molecular consequence: synonymous variant.
Genome position (GRCh38, 1-based): chr15:75,400,094, G>A on the plus strand (C>T on the coding strand, the complement: SIN3A is on the minus strand). VCF-style: chr15-75400094-G-A. GRCh37 (hg19) VCF-style: chr15-75692435-G-A.
Other names: c.1800C>T, p.Ser600= (NM_001145357.2, NM_015477.3).
Identifiers: ClinVar variation 3611349 (VCV003611349.3).

ClinVar aggregate classification (germline): Likely benign. Review status: criteria provided, multiple submitters, no conflicts (2 of 4 stars). 2 submissions from 2 submitters: Likely benign (2). Last evaluated 2026-10-01.

gnomAD v4.1: 5 of 1,612,204 alleles (0.00031%); highest among the groups gnomAD compares: African/African-American, 0.0067%; no homozygotes.

Submissions (2):

CeGaT Center for Human Genetics Tuebingen
Classification: Likely benign. Last evaluated: 2026-10-01. Review status: criteria provided, single submitter. Criteria: CeGaT Center For Human Genetics Tuebingen Variant Classification Criteria Version 2. Collection method: clinical testing. Allele origin: germline. Affected: yes. Observed: 1 variant allele.
Comment: SIN3A: BP4, BP7

Labcorp Genetics (formerly Invitae), Labcorp
Classification: Likely benign. Last evaluated: 2025-10-27. Review status: criteria provided, single submitter. Criteria: Invitae Variant Classification Sherloc (09022015). Collection method: clinical testing. Allele origin: germline.